The following is an entry in ClinVar:

NM_002427.4(MMP13):c.619T>G (p.Trp207Gly)

Gene: MMP13 (matrix metallopeptidase 13; minus strand). Cytogenetic location: 11q22.2.
Variant type: single nucleotide variant.
Coding change: c.619T>G on transcript NM_002427.4 (MANE Select); coding-DNA position 619, T replaced by G.
Protein change: p.Trp207Gly; replaces tryptophan 207 with glycine.
Molecular consequence: missense variant.
Genome position (GRCh38, 1-based): chr11:102,954,174, A>C on the plus strand (T>G on the coding strand, the complement: MMP13 is on the minus strand). VCF-style: chr11-102954174-A-C. GRCh37 (hg19) VCF-style: chr11-102824903-A-C.
Other names: short protein forms W207G.
Identifiers: ClinVar variation 183687 (VCV000183687.21), dbSNP rs140059558, ClinGen allele CA186146.

ClinVar aggregate classification (germline): Pathogenic/Likely pathogenic. Review status: criteria provided, multiple submitters, no conflicts (2 of 4 stars). 10 submissions from 10 submitters: Pathogenic (5); Likely pathogenic (3). 2 of the submissions do not count toward it. Last evaluated 2025-12-11.

Conditions:
MMP13-related disorder. Also called: MMP13-related condition; MMP13-related disorders.
Metaphyseal chondrodysplasia, Spahr type (MDST). Identifiers: Orphanet 2501, MedGen C0432225, MONDO:0009597, OMIM 250400.
Metaphyseal anadysplasia 1, autosomal dominant (MANDP1). Also called: Metaphyseal anadysplasia 1. Identifiers: MedGen C4016643.

Allele frequency attached by ClinVar (database versions not stated): gnomAD 0.00005 and 0.00006; gnomAD exomes 0.00006; TOPMed 0.00006; ESP Exome Variant Server 0.00015; 1000 Genomes Project 0.00020; 1000 Genomes Project 30x 0.00031.
gnomAD v4.1: 100 of 1,613,540 alleles (0.0062%); highest among the groups gnomAD compares: Middle Eastern, 0.017%; no homozygotes.

Submissions (10):

Victorian Clinical Genetics Services, Murdoch Childrens Research Institute
Classification: Pathogenic for Metaphyseal chondrodysplasia, Spahr type. Last evaluated: 2025-12-11. Review status: criteria provided, single submitter. Criteria: ACMG Guidelines, 2015. Collection method: clinical testing. Allele origin: germline.
Comment: This variant is classified as Pathogenic. Evidence in support of pathogenic classification: Variant is present in gnomAD <0.01 (v4: 100 heterozygote(s), 0 homozygote(s)); This variant has strong previous evidence of pathogenicity in unrelated individuals. This variant has been classified as pathogenic or likely pathogenic by multiple clinical laboratories in ClinVar. It has also been reported in the literature in a homozygous or compound heterozygous state in individuals with autosomal recessive metaphyseal dysplasia (PMIDs: 24648384, 27576021, 36873332); Missense variant predicted to be damaging by in silico tool(s) or highly conserved with a major amino acid change. Additional information: Variant is predicted to result in a missense amino acid change from Trp to Gly; This variant is homozygous; This gene is associated with both recessive and dominant disease (OMIM); Alternative amino acid change(s) at the same position are present in gnomAD (highest allele count: v2: 1 heterozygote(s), 0 homozygote(s)). - Dominant negative and loss of function are known mechanisms of disease in this gene and are associated with disease. Recessive metaphyseal dysplasia, Spahr type (MIM#250400) is associated with loss of function missense or premature termination codon variants. Dominant metaphyseal anadysplasia 1 (MIM#602111) is associated with missense variants in the prodomain which have a dominant negative effect (PMIDs: 19615667, 24648384, 24781753); Variants in this gene are known to have variable expressivity. Intrafamilial variability has been reported in the literature (PMID: 27576021).

Labcorp Genetics (formerly Invitae), Labcorp
Classification: Pathogenic. Last evaluated: 2025-08-26. Review status: criteria provided, single submitter. Criteria: Invitae Variant Classification Sherloc (09022015). Collection method: clinical testing. Allele origin: germline.
Comment: This sequence change replaces tryptophan, which is neutral and slightly polar, with glycine, which is neutral and non-polar, at codon 207 of the MMP13 protein (p.Trp207Gly). This variant is present in population databases (rs140059558, gnomAD 0.01%). This missense change has been observed in individuals with autosomal recessive metaphyseal dysplasia, Spahr type (PMID: 24648384, 27576021; internal data). It has also been observed to segregate with disease in related individuals. ClinVar contains an entry for this variant (Variation ID: 183687). Invitae Evidence Modeling of protein sequence and biophysical properties (such as structural, functional, and spatial information, amino acid conservation, physicochemical variation, residue mobility, and thermodynamic stability) indicates that this missense variant is expected to disrupt MMP13 protein function with a positive predictive value of 80%. For these reasons, this variant has been classified as Pathogenic.

Blueprint Genetics
Classification: Pathogenic for MMP13-related disorders. Last evaluated: 2024-11-15. Review status: criteria provided, single submitter. Criteria: ACMG Guidelines, 2015. Collection method: clinical testing. Allele origin: germline. Affected: yes. Observed: 5 variant alleles.

Genomic Medicine Center of Excellence, King Faisal Specialist Hospital and Research Centre
Classification: Pathogenic for Metaphyseal anadysplasia 1. Last evaluated: 2024-03-14. Review status: criteria provided, single submitter. Criteria: ACMG Guidelines, 2015. Collection method: clinical testing. Allele origin: germline.

Revvity Omics, Revvity
Classification: Likely pathogenic. Last evaluated: 2021-11-11. Review status: criteria provided, single submitter. Criteria: ACMG Guidelines, 2015. Collection method: clinical testing. Allele origin: germline.

GeneDx
Classification: Likely pathogenic. Last evaluated: 2021-03-23. Review status: criteria provided, single submitter. Criteria: GeneDx Variant Classification Process June 2021. Collection method: clinical testing. Allele origin: germline. Affected: yes.
Comment: In silico analysis, which includes protein predictors and evolutionary conservation, supports a deleterious effect; This variant is associated with the following publications: (PMID: 24648384, 27576021, 31130284, 13915518)

Baylor Genetics
Classification: Pathogenic for Metaphyseal chondrodysplasia, Spahr type. Last evaluated: 2020-06-10. Review status: criteria provided, single submitter. Criteria: ACMG Guidelines, 2015. Collection method: clinical testing. Allele origin: unknown. Affected: yes.
Comment: This variant was determined to be pathogenic according to ACMG Guidelines, 2015 [PMID:25741868].

Eurofins Ntd Llc (ga)
Classification: Likely pathogenic. Last evaluated: 2018-08-02. Review status: criteria provided, single submitter. Criteria: EGL ClinVar v180209 classification definitions. Collection method: clinical testing. Allele origin: germline. Observed: 7 variant alleles, 1 heterozygote, 6 homozygotes.

Biochemical Molecular Genetic Laboratory, King Abdulaziz Medical City
Classification: Pathogenic for Metaphyseal chondrodysplasia, Spahr type. Last evaluated: 2018-06-06. Review status: no assertion criteria provided. Collection method: clinical testing. Allele origin: germline. Affected: yes. Not counted in ClinVar's aggregate classification.

OMIM
Classification: Pathogenic for METAPHYSEAL DYSPLASIA, SPAHR TYPE. Last evaluated: 2014-05-01. Review status: no assertion criteria provided. Collection method: literature only. Allele origin: germline. Not counted in ClinVar's aggregate classification.

Literature cited by the submitters: PubMed 19615667 (cited by Victorian Clinical Genetics Services, Murdoch Childrens Research Institute); PubMed 27576021 (cited by 3 submitters); PubMed 24648384 (cited by 4 submitters); PubMed 24781753 (cited by Victorian Clinical Genetics Services, Murdoch Childrens Research Institute); PubMed 36873332 (cited by Victorian Clinical Genetics Services, Murdoch Childrens Research Institute); PubMed 13915518 (cited by OMIM).